The following is an entry in ClinVar:

ClinVar aggregate classification (germline): Uncertain significance. Review status: criteria provided, multiple submitters, no conflicts (2 of 4 stars). 2 submissions from 2 submitters: Uncertain significance (2). Last evaluated 2022-01-15.

Conditions:
Saethre-Chotzen syndrome (SCS). Also called: ACROCEPHALY, SKULL ASYMMETRY, AND MILD SYNDACTYLY; ACS III; CHOTZEN SYNDROME. Identifiers: Orphanet 794, MedGen C0175699, MONDO:0007042, OMIM 101400.
TWIST1-related craniosynostosis (CRS1). Also called: CRANIOSYNOSTOSIS 1. Identifiers: Orphanet 63440, MedGen C4551902, MONDO:0007399, OMIM 123100. Inheritance: Heterogenous inheritance pattern.

Allele frequency attached by ClinVar (database versions not stated): gnomAD 0.00001; gnomAD exomes 0.00001; TOPMed 0.00001.

Submissions (2):

Labcorp Genetics (formerly Invitae), Labcorp
Classification: Uncertain significance for TWIST1-related craniosynostosis; Saethre-Chotzen syndrome. Last evaluated: 2022-01-15. Review status: criteria provided, single submitter. Criteria: Invitae Variant Classification Sherloc (09022015). Collection method: clinical testing. Allele origin: germline.
Comment: This variant has not been reported in the literature in individuals affected with TWIST1-related conditions. This variant is not present in population databases (gnomAD no frequency). This sequence change replaces glycine, which is neutral and non-polar, with serine, which is neutral and polar, at codon 84 of the TWIST1 protein (p.Gly84Ser). Algorithms developed to predict the effect of sequence changes on RNA splicing suggest that this variant may create or strengthen a splice site. Algorithms developed to predict the effect of missense changes on protein structure and function are either unavailable or do not agree on the potential impact of this missense change (SIFT: "Deleterious"; PolyPhen-2: "Not Available"; Align-GVGD: "Class C0"). ClinVar contains an entry for this variant (Variation ID: 1031585). In summary, the available evidence is currently insufficient to determine the role of this variant in disease. Therefore, it has been classified as a Variant of Uncertain Significance.

Baylor Genetics
Classification: Uncertain significance for TWIST1-related craniosynostosis. Last evaluated: 2018-08-16. Review status: criteria provided, single submitter. Criteria: ACMG Guidelines, 2015. Collection method: clinical testing. Allele origin: paternal. Affected: yes.
Comment: This variant was determined to be of uncertain significance according to ACMG Guidelines, 2015 [PMID:25741868].

NM_000474.4(TWIST1):c.250G>A (p.Gly84Ser)

Gene: TWIST1 (twist family bHLH transcription factor 1; minus strand). Cytogenetic location: 7p21.1.
Variant type: single nucleotide variant.
Coding change: c.250G>A on transcript NM_000474.4 (MANE Select); coding-DNA position 250, G replaced by A.
Protein change: p.Gly84Ser; replaces glycine 84 with serine.
Molecular consequence: missense variant. On other transcripts: non-coding transcript variant (1).
Genome position (GRCh38, 1-based): chr7:19,117,072, C>T on the plus strand (G>A on the coding strand, the complement: TWIST1 is on the minus strand). VCF-style: chr7-19117072-C-T. GRCh37 (hg19) VCF-style: chr7-19156695-C-T.
Other names: short protein forms G84S.
Identifiers: ClinVar variation 1031585 (VCV001031585.8), dbSNP rs1310233431, ClinGen allele CA367015830.